The following is an entry in ClinVar:

NM_024496.4(IRF2BPL):c.248_293delinsCCCGG (p.Leu83fs)

Genes: IRF2BPL (interferon regulatory factor 2 binding protein like; minus strand), LOC107984638 (uncharacterized LOC107984638; plus strand). Cytogenetic location: 14q24.3.
Variant type: Indel.
Coding change: c.248_293delinsCCCGG on transcript NM_024496.4 (MANE Select); coding-DNA positions 248 to 293, the reference bases replaced by CCCGG.
Protein change: p.Leu83fs; shifts the reading frame from leucine 83.
Molecular consequence: frameshift variant.
Genome position (GRCh38, 1-based): chr14:77,027,500-77,027,545, 46 bases replaced. GRCh37 (hg19): chr14:77,493,843-77,493,888.
Other names: short protein forms L83fs.
Identifiers: ClinVar variation 976859 (VCV000976859.1), dbSNP rs1885185522, ClinGen allele CA1139663573.
Genomic context (GRCh38, chr14:77,027,500, plus strand): 5'-TGCTGCTGCTGTTGCTGCTGCTGCTGCTGCTGTTGCTGTTGCTGTTGCGCGGCGGCGGCG[GCGGCCGCCGCTGCTGCCGCCGCCGCCGCCGCTTCCTTAGCCGACA>CCGGG]GGGCCACTGTCTTGACCCCGACGGGCGGCGGCGGCCCGGGGGAGCGGCCGTCCTGGAAGC-3'

ClinVar aggregate classification (germline): Pathogenic (0 of 4 stars; one submission).

Conditions:
Neurodevelopmental disorder with regression, abnormal movements, loss of speech, and seizures. Identifiers: Orphanet 597623, MedGen C4748127, MONDO:0060759, OMIM 618088.

Submission:

Clinical Genomics Laboratory, Stanford Medicine
Classification: Pathogenic for Neurodevelopmental disorder with regression, abnormal movements, loss of speech, and seizures. Last evaluated: 2020-07-01. Review status: no assertion criteria provided. Collection method: clinical testing. Allele origin: germline. Inheritance: Autosomal dominant inheritance. Affected: yes.
Comment: This variant was absent from large population databases, including the Genome Aggregation Database, however, the ability to detect this type of variation is limited. This variant results in a 46 bp deletion and 5 bp insertion, which causes a shift in the protein reading frame, leading to a premature termination codon 36 amino acids downstream. Heterozygous loss of function is an established mechanism of disease for the IRF2BPL gene. These data were assessed using the ACMG/AMP variant interpretation guidelines. In summary, there is sufficient evidence to classify the p.Leu83Profs*36 variant as pathogenic for autosomal dominant IRF2BPL-associated neurodevelopmental disorder based on the information above.[ACMG evidence codes used: PVS1;PS2_moderate; PM2_supporting]